The following is an entry in ClinVar:

NM_000051.4(ATM):c.4492T>A (p.Leu1498Ile)

Gene: ATM (ATM serine/threonine kinase; plus strand). Cytogenetic location: 11q22.3.
Variant type: single nucleotide variant.
Coding change: c.4492T>A on transcript NM_000051.4 (MANE Select); coding-DNA position 4492, T replaced by A.
Protein change: p.Leu1498Ile; replaces leucine 1498 with isoleucine.
Molecular consequence: missense variant.
Genome position (GRCh38, 1-based): chr11:108,292,674, T>A. VCF-style: chr11-108292674-T-A. GRCh37 (hg19) VCF-style: chr11-108163401-T-A.
Other names: c.4492T>A, p.Leu1498Ile (NM_001351834.2); short protein forms L1498I.
Identifiers: ClinVar variation 1740981 (VCV001740981.2), dbSNP rs748949478, ClinGen allele CA382533375.
Genomic context (GRCh38, chr11:108,292,674, plus strand): 5'-ATTAGGCCTTCTTGTATCATGGATGTGTCATTACGTAGCTTCTCCCTTTGTTGTGACTTA[T>A]TAAGTCAGGTTTGCCAGACAGCCGTGACTTACTGTAAGGATGCTCTAGAAAACCATCTTC-3'
Protein context (NP_000042.3, residues 1488-1508): LRSFSLCCDL[Leu1498Ile]SQVCQTAVTY

ClinVar aggregate classification (germline): Uncertain significance (1 of 4 stars; one submission).

Conditions:
Hereditary cancer-predisposing syndrome. Also called: Hereditary Cancer Syndrome; Hereditary neoplastic syndrome; Neoplastic Syndromes, Hereditary; Tumor predisposition. Identifiers: Orphanet 140162, MedGen C0027672, MeSH D009386, MONDO:0015356.

Submission:

Ambry Genetics
Classification: Uncertain significance for Hereditary cancer-predisposing syndrome. Last evaluated: 2022-03-01. Review status: criteria provided, single submitter. Criteria: Ambry Variant Classification Scheme 2023. Collection method: clinical testing. Allele origin: germline.
Comment: The p.L1498I variant (also known as c.4492T>A), located in coding exon 29 of the ATM gene, results from a T to A substitution at nucleotide position 4492. The leucine at codon 1498 is replaced by isoleucine, an amino acid with highly similar properties. This amino acid position is conserved. In addition, the in silico prediction for this alteration is inconclusive. Since supporting evidence is limited at this time, the clinical significance of this alteration remains unclear.